The following is an entry in ClinVar:

NM_002474.3(MYH11):c.4706T>C (p.Met1569Thr)

Genes: MYH11 (myosin heavy chain 11; minus strand), NDE1 (nudE neurodevelopment protein 1; plus strand). Cytogenetic location: 16p13.11.
Variant type: single nucleotide variant.
Coding change: c.4706T>C on transcript NM_002474.3 (MANE Select); coding-DNA position 4706, T replaced by C.
Protein change: p.Met1569Thr; replaces methionine 1569 with threonine.
Molecular consequence: missense variant. On other transcripts: intron variant (2).
Genome position (GRCh38, 1-based): chr16:15,720,924, A>G on the plus strand (T>C on the coding strand, the complement: MYH11 is on the minus strand). VCF-style: chr16-15720924-A-G. GRCh37 (hg19) VCF-style: chr16-15814781-A-G.
Other names: c.4727T>C, p.Met1576Thr (NM_001040113.2, NM_001040114.2); c.4706T>C, p.Met1569Thr (NM_022844.3); c.948-3267A>G (NM_001143979.2, NM_017668.3); short protein forms M1576T, M1569T.
Identifiers: ClinVar variation 465739 (VCV000465739.34), dbSNP rs145074004, ClinGen allele CA7921583.

ClinVar aggregate classification (germline): Uncertain significance. Review status: criteria provided, multiple submitters, no conflicts (2 of 4 stars). 10 submissions from 10 submitters: Uncertain significance (10). Last evaluated 2026-07-10.

Conditions:
Aortic aneurysm, familial thoracic 4 (AAT4). Also called: AORTIC ANEURYSM/AORTIC DISSECTION AND PATENT DUCTUS ARTERIOSUS. Identifiers: MedGen C1851504, MONDO:0007568, OMIM 132900.
Visceral myopathy 2. Identifiers: MedGen C5543466, MONDO:0859157, OMIM 619350.
Megacystis-microcolon-intestinal hypoperistalsis syndrome 2. Identifiers: MedGen C5543476, MONDO:0025708, OMIM 619351.
MYH11-related disorder. Also called: MYH11-related condition.
Familial thoracic aortic aneurysm and aortic dissection (TAAD). Also called: Thoracic aortic aneurysms and dissections. Identifiers: Orphanet 91387, MedGen C4707243, MONDO:0019625.

Allele frequency attached by ClinVar (database versions not stated): ExAC 0.00003; gnomAD exomes 0.00004 and 0.00011; TOPMed 0.00007; gnomAD 0.00008; ESP Exome Variant Server 0.00015.
gnomAD v4.1: 166 of 1,613,788 alleles (0.01%); highest among the groups gnomAD compares: Non-Finnish European, 0.014%; no homozygotes.

Submissions (10):

PreventionGenetics, part of Exact Sciences
Classification: Uncertain significance for MYH11-related condition. Last evaluated: 2026-07-10. Review status: criteria provided, single submitter. Criteria: ACMG Guidelines, 2015. Collection method: clinical testing. Allele origin: germline.
Comment: The MYH11 c.4727T>C variant is predicted to result in the amino acid substitution p.Met1576Thr. To our knowledge, this variant has not been reported in the literature. This variant is reported in 0.0062% of alleles in individuals of European (Non-Finnish) descent in gnomAD. At this time, the clinical significance of this variant is uncertain due to the absence of conclusive functional and genetic evidence.

Labcorp Genetics (formerly Invitae), Labcorp
Classification: Uncertain significance for Aortic aneurysm, familial thoracic 4. Last evaluated: 2025-11-17. Review status: criteria provided, single submitter. Criteria: Invitae Variant Classification Sherloc (09022015). Collection method: clinical testing. Allele origin: germline.
Comment: This sequence change replaces methionine, which is neutral and non-polar, with threonine, which is neutral and polar, at codon 1576 of the MYH11 protein (p.Met1576Thr). This variant is present in population databases (rs145074004, gnomAD 0.007%). This variant has not been reported in the literature in individuals affected with MYH11-related conditions. ClinVar contains an entry for this variant (Variation ID: 465739). Invitae Evidence Modeling of protein sequence and biophysical properties (such as structural, functional, and spatial information, amino acid conservation, physicochemical variation, residue mobility, and thermodynamic stability) indicates that this missense variant is not expected to disrupt MYH11 protein function with a negative predictive value of 95%. In summary, the available evidence is currently insufficient to determine the role of this variant in disease. Therefore, it has been classified as a Variant of Uncertain Significance.

Ambry Genetics
Classification: Uncertain significance for Familial thoracic aortic aneurysm and aortic dissection. Last evaluated: 2025-09-28. Review status: criteria provided, single submitter. Criteria: Ambry Variant Classification Scheme 2023. Collection method: clinical testing. Allele origin: germline.

Women's Health and Genetics/Laboratory Corporation of America, LabCorp
Classification: Uncertain significance. Last evaluated: 2025-09-19. Review status: criteria provided, single submitter. Criteria: LabCorp Variant Classification Summary - May 2015. Collection method: clinical testing. Allele origin: germline.

Blueprint Genetics
Classification: Uncertain significance. Last evaluated: 2024-10-24. Review status: criteria provided, single submitter. Criteria: ACMG Guidelines, 2015. Collection method: clinical testing. Allele origin: germline.

Color Diagnostics, LLC DBA Color Health
Classification: Uncertain significance for Familial thoracic aortic aneurysm and aortic dissection. Last evaluated: 2024-02-20. Review status: criteria provided, single submitter. Criteria: ACMG Guidelines, 2015. Collection method: clinical testing. Allele origin: germline.
Comment: This missense variant replaces methionine with threonine at codon 1576 of the MYH11 protein. Computational prediction tools indicate that this variant has a deleterious impact on protein structure and function. To our knowledge, functional studies have not been reported for this variant. This variant has not been reported in individuals affected with MYH11-related disorders in the literature. This variant has been identified in 10/282820 chromosomes in the general population by the Genome Aggregation Database (gnomAD). The available evidence is insufficient to determine the role of this variant in disease conclusively. Therefore, this variant is classified as a Variant of Uncertain Significance.

GeneDx
Classification: Uncertain significance. Last evaluated: 2022-10-26. Review status: criteria provided, single submitter. Criteria: GeneDx Variant Classification Process June 2021. Collection method: clinical testing. Allele origin: germline. Affected: yes.
Comment: Has not been previously published as pathogenic or benign to our knowledge; In silico analysis supports that this missense variant has a deleterious effect on protein structure/function

Fulgent Genetics
Classification: Uncertain significance for Aortic aneurysm, familial thoracic 4; Visceral myopathy 2; Megacystis-microcolon-intestinal hypoperistalsis syndrome 2. Last evaluated: 2021-10-28. Review status: criteria provided, single submitter. Criteria: ACMG Guidelines, 2015. Collection method: clinical testing. Allele origin: unknown.

Revvity Omics, Revvity
Classification: Uncertain significance. Last evaluated: 2020-10-06. Review status: criteria provided, single submitter. Criteria: ACMG Guidelines, 2015. Collection method: clinical testing. Allele origin: germline.

ARUP Laboratories, Molecular Genetics and Genomics, ARUP Laboratories
Classification: Uncertain significance. Last evaluated: 2020-08-10. Review status: criteria provided, single submitter. Criteria: ARUP Molecular Germline Variant Investigation Process. Collection method: clinical testing. Allele origin: germline.
Comment: The MYH11 c.4706T>C; p.Met1569Thr variant (rs145074004), to our knowledge, is not reported in the medical literature but is reported in ClinVar (Variation ID: 465739). This variant is only observed on ten alleles in the Genome Aggregation Database, indicating it is not a common polymorphism. The methionine at codon 1569 is highly conserved, and computational analyses (SIFT: damaging, PolyPhen-2: benign) predict conflicting effects of this variant on protein structure/function. Due to limited information, the clinical significance of the p.Met1569Thr variant is uncertain at this time.